The following is an entry in ClinVar:

ClinVar aggregate classification (germline): Benign/Likely benign. Review status: criteria provided, multiple submitters, no conflicts (2 of 4 stars). 11 submissions from 11 submitters: Benign (6); Likely benign (3). 2 of the submissions do not count toward it. Last evaluated 2026-02-04.

Conditions:
Progressive familial heart block type IB (PFHB1B). Identifiers: Orphanet 871, MedGen C1970298, MONDO:0011474, OMIM 604559.

Allele frequency attached by ClinVar (database versions not stated): 1000 Genomes Project 30x 0.01187; 1000 Genomes Project 0.01198; TOPMed 0.01546; ESP Exome Variant Server 0.01853; gnomAD exomes 0.02013 and 0.02545; ExAC 0.02042.
gnomAD v4.1: 39,683 of 1,614,016 alleles (2.5%); highest among the groups gnomAD compares: South Asian, 3.4%; 574 homozygotes.

Submissions (11):

Labcorp Genetics (formerly Invitae), Labcorp
Classification: Benign for Progressive familial heart block type IB. Last evaluated: 2026-02-04. Review status: criteria provided, single submitter. Criteria: Invitae Variant Classification Sherloc (09022015). Collection method: clinical testing. Allele origin: germline.

Molecular Diagnostic Laboratory for Inherited Cardiovascular Disease, Montreal Heart Institute
Classification: Likely benign. Last evaluated: 2025-04-09. Review status: criteria provided, single submitter. Criteria: ACMG Guidelines, 2015. Collection method: clinical testing. Allele origin: germline. Affected: no.

Blueprint Genetics
Classification: Benign. Last evaluated: 2024-11-26. Review status: criteria provided, single submitter. Criteria: ACMG Guidelines, 2015. Collection method: clinical testing. Allele origin: germline.

ARUP Laboratories, Molecular Genetics and Genomics, ARUP Laboratories
Classification: Benign. Last evaluated: 2023-11-01. Review status: criteria provided, single submitter. Criteria: ARUP Molecular Germline Variant Investigation Process 2024. Collection method: clinical testing. Allele origin: germline.

Women's Health and Genetics/Laboratory Corporation of America, LabCorp
Classification: Benign. Last evaluated: 2023-10-09. Review status: criteria provided, single submitter. Criteria: LabCorp Variant Classification Summary - May 2015. Collection method: clinical testing. Allele origin: germline.

Illumina Laboratory Services, Illumina
Classification: Likely benign for Progressive familial heart block type IB. Last evaluated: 2018-01-13. Review status: criteria provided, single submitter. Criteria: ICSL Variant Classification Criteria 13 December 2019. Collection method: clinical testing. Allele origin: germline.
Comment: This variant was observed in the ICSL laboratory as part of a predisposition screen in an ostensibly healthy population. It had not been previously curated by ICSL or reported in the Human Gene Mutation Database (HGMD: prior to June 1st, 2018), and was therefore a candidate for classification through an automated scoring system. Utilizing variant allele frequency, disease prevalence and penetrance estimates, and inheritance mode, an automated score was calculated to assess if this variant is too frequent to cause the disease. Based on the score and internal cut-off values, a variant classified as likely benign is not then subjected to further curation. The score for this variant resulted in a classification of likely benign for this disease.

GeneDx
Classification: Benign. Last evaluated: 2016-10-04. Review status: criteria provided, single submitter. Criteria: GeneDx Variant Classification (06012015). Collection method: clinical testing. Allele origin: germline. Affected: yes.
Comment: This variant is considered likely benign or benign based on one or more of the following criteria: it is a conservative change, it occurs at a poorly conserved position in the protein, it is predicted to be benign by multiple in silico algorithms, and/or has population frequency not consistent with disease.

Breakthrough Genomics
Classification: Likely benign. Review status: criteria provided, single submitter. Criteria: ACMG Guidelines, 2015. Collection method: not provided. Allele origin: germline. Inheritance: Autosomal dominant inheritance. Affected: yes.

PreventionGenetics, part of Exact Sciences
Classification: Benign. Review status: criteria provided, single submitter. Criteria: ACMG Guidelines, 2015. Collection method: clinical testing. Allele origin: germline.

Clinical Genetics, Academic Medical Center
Classification: Benign. Review status: no assertion criteria provided. Collection method: clinical testing. Allele origin: germline. Affected: yes. Study: VKGL Data-share Consensus. Not counted in ClinVar's aggregate classification.

Joint Genome Diagnostic Labs from Nijmegen and Maastricht, Radboudumc and MUMC+
Classification: Benign. Review status: no assertion criteria provided. Collection method: clinical testing. Allele origin: germline. Affected: yes. Study: VKGL Data-share Consensus. Not counted in ClinVar's aggregate classification.

NM_017636.4(TRPM4):c.449-10G>A

Gene: TRPM4 (transient receptor potential cation channel subfamily M member 4; plus strand). Cytogenetic location: 19q13.33.
Variant type: single nucleotide variant.
Coding change: c.449-10G>A on transcript NM_017636.4 (MANE Select); 10 bases into the intron before coding-DNA position 449, G replaced by A.
Molecular consequence: intron variant.
Genome position (GRCh38, 1-based): chr19:49,168,250, G>A. VCF-style: chr19-49168250-G-A. GRCh37 (hg19) VCF-style: chr19-49671507-G-A.
Other names: c.449-10G>A (NM_001195227.2); c.-1105-10G>A (NM_001321282.2); c.268-303G>A (NM_001321281.2); c.-74-10G>A (NM_001321283.2); c.-237-303G>A (NM_001321285.2).
Identifiers: ClinVar variation 241180 (VCV000241180.32), dbSNP rs78444754, ClinGen allele CA9568834.
Genomic context (GRCh38, chr19:49,168,250, plus strand): 5'-GTGTGTGTGTCTCTGTCTTATTCTTTGTTTCTCTCCCCCTGCCTCTGCATGTTCCTCGGC[G>A]TCTGTGTAGGAGCCTGGATTGTCACTGGGGGTCTGCACACGGGCATCGGCCGGCATGTTG-3'